The following is an entry in ClinVar:

NM_001048174.2(MUTYH):c.378+1G>T

Gene: MUTYH (mutY DNA glycosylase; minus strand). Cytogenetic location: 1p34.1.
Variant type: single nucleotide variant.
Coding change: c.378+1G>T on transcript NM_001048174.2 (MANE Select); the canonical splice donor site of the intron after coding-DNA position 378, G replaced by T.
Molecular consequence: splice donor variant. On other transcripts: intron variant (3).
Genome position (GRCh38, 1-based): chr1:45,333,096, C>A on the plus strand (G>T on the coding strand, the complement: MUTYH is on the minus strand). VCF-style: chr1-45333096-C-A. GRCh37 (hg19) VCF-style: chr1-45798768-C-A.
Other names: c.378+1G>T (NM_001407072.1, NM_001048171.2, NM_001407070.1 and 6 more transcripts); c.34-137G>T (NM_001350651.2, NM_001350650.2, NM_001407082.1); c.102+1G>T (NM_001293192.2, NM_001293196.2, NM_001407091.1); c.420+1G>T (NM_001407073.1, NM_001407083.1, NM_001407085.1); c.423+1G>T (NM_001293190.2); c.453+1G>T (NM_001407069.1, NM_012222.3); c.462+1G>T (NM_001128425.2); c.381+1G>T (NM_001407071.1, NM_001407079.1, NM_001048172.2 and 2 more transcripts); and 3 more.
Identifiers: ClinVar variation 927272 (VCV000927272.8), dbSNP rs1645259682, ClinGen allele CA340136055.

ClinVar aggregate classification (germline): Likely pathogenic. Review status: criteria provided, multiple submitters, no conflicts (2 of 4 stars). 4 submissions from 4 submitters: Likely pathogenic (3). 1 of the submissions does not count toward it. Last evaluated 2026-03-18.

Conditions:
Familial adenomatous polyposis 2. Also called: Adenomas, multiple colorectal; MUTYH Polyposis; COLORECTAL ADENOMATOUS POLYPOSIS, AUTOSOMAL RECESSIVE; ADENOMAS, MULTIPLE COLORECTAL, AUTOSOMAL RECESSIVE; MUTYH-associated polyposis; MUTYH-related attenuated familial adenomatous polyposis. Identifiers: Orphanet 220460, Orphanet 247798, MedGen C3272841, MONDO:0012041, OMIM 608456.
Hereditary cancer-predisposing syndrome. Also called: Neoplastic Syndromes, Hereditary; Tumor predisposition; Hereditary Cancer Syndrome; Hereditary neoplastic syndrome. Identifiers: Orphanet 140162, MedGen C0027672, MeSH D009386, MONDO:0015356.
Breast carcinoma. Also called: Carcinoma of breast. Identifiers: MedGen C0678222, MONDO:0004989, HP:0003002.

Submissions (4):

Myriad Genetics, Inc.
Classification: Likely pathogenic for Familial adenomatous polyposis 2. Last evaluated: 2026-03-18. Review status: criteria provided, single submitter. Criteria: Myriad Autosomal Dominant, Autosomal Recessive and X-Linked Classification Criteria (2023). Collection method: clinical testing. Allele origin: unknown.
Comment: This variant is considered likely pathogenic. This variant occurs within a consensus splice junction and is predicted to result in abnormal mRNA splicing of either an out-of-frame exon or an in-frame exon necessary for protein stability and/or normal function.

Revvity Omics, Revvity
Classification: Likely pathogenic for Familial adenomatous polyposis 2. Last evaluated: 2022-12-15. Review status: criteria provided, single submitter. Criteria: ACMG Guidelines, 2015. Collection method: clinical testing. Allele origin: germline.

Color Diagnostics, LLC DBA Color Health
Classification: Likely pathogenic for Hereditary cancer-predisposing syndrome. Last evaluated: 2020-04-14. Review status: criteria provided, single submitter. Criteria: ACMG Guidelines, 2015. Collection method: clinical testing. Allele origin: germline.
Comment: This variant causes a G to T nucleotide substitution at the +1 position of intron 5 of the MUTYH gene. Splice site prediction tools suggest that this variant may have a significant impact on RNA splicing. Although this prediction has not been confirmed in published RNA studies, this variant is expected to result in an absent or disrupted protein product. This variant has not been reported in individuals affected with hereditary cancer in the literature. This variant has not been identified in the general population by the Genome Aggregation Database (gnomAD). Loss of MUTYH function is a known mechanism of disease. Based on the available evidence, this variant is classified as Likely Pathogenic.

Medical Genetics Laboratory, Umraniye Training and Research Hospital, University of Health Sciences
Classification: Pathogenic for Breast carcinoma. Last evaluated: 2021-08-08. Review status: no assertion criteria provided. Collection method: clinical testing. Allele origin: germline. Affected: yes. Observed: 1 variant allele, 1 heterozygote. Not counted in ClinVar's aggregate classification.
Comment: Invasive Ductal Carcinoma Estrogen Receptor: Positive Progesterone Receptor: Positive HER2 Receptor: Negative